The following is an entry in ClinVar:

NM_005765.3(ATP6AP2):c.868G>C (p.Ala290Pro)

Gene: ATP6AP2 (ATPase H+ transporting accessory protein 2; plus strand). Cytogenetic location: Xp11.4.
Variant type: single nucleotide variant.
Coding change: c.868G>C on transcript NM_005765.3 (MANE Select); coding-DNA position 868, G replaced by C.
Protein change: p.Ala290Pro; replaces alanine 290 with proline.
Molecular consequence: missense variant.
Genome position (GRCh38, 1-based): chrX:40,605,570, G>C. VCF-style: chrX-40605570-G-C. GRCh37 (hg19) VCF-style: chrX-40464822-G-C.
Other names: p.A290P:GCA>CCA; short protein forms A290P.
Identifiers: ClinVar variation 128487 (VCV000128487.25), dbSNP rs35798522, ClinGen allele CA288697.
Genomic context (GRCh38, chrX:40,605,570, plus strand): 5'-CCTATTTTAAAATTCTTCCCTCTTGATTTTTCTTTCTTTTCTATATTGTAGAAGAACCCA[G>C]CAAGTCCCTATAACCTTGCATATAAGTATAATTTTGAATATTCCGTGGTTTTCAACATGG-3'
Protein context (NP_005756.2, residues 280-300): ILEAKQAKNP[Ala290Pro]SPYNLAYKYN

ClinVar aggregate classification (germline): Benign. Review status: criteria provided, multiple submitters, no conflicts (2 of 4 stars). 8 submissions from 8 submitters: Benign (5). 3 of the submissions do not count toward it. Last evaluated 2026-02-02.

Conditions:
Inborn genetic diseases. Identifiers: MedGen C0950123, MeSH D030342.
Intellectual developmental disorder, X-linked, syndromic, Hedera type. Also called: Syndromic X-linked intellectual disability Hedera type. Identifiers: Orphanet 93952, MedGen C1845543, MONDO:0010319, OMIM 300423.

Allele frequency attached by ClinVar (database versions not stated): gnomAD exomes 0.00185 and 0.00532; ExAC 0.00670; gnomAD 0.01866 and 0.02009; TOPMed 0.02154; 1000 Genomes Project 30x 0.02164; 1000 Genomes Project 0.02199; ESP Exome Variant Server 0.02263.

Submissions (8):

Labcorp Genetics (formerly Invitae), Labcorp
Classification: Benign for Intellectual developmental disorder, X-linked, syndromic, Hedera type. Last evaluated: 2026-02-02. Review status: criteria provided, single submitter. Criteria: Invitae Variant Classification Sherloc (09022015). Collection method: clinical testing. Allele origin: germline.

Athena Diagnostics
Classification: Benign. Last evaluated: 2025-01-30. Review status: criteria provided, single submitter. Criteria: Athena Diagnostics Criteria. Collection method: clinical testing. Allele origin: unknown.
Comment: The frequency of this variant in the general population is higher than would generally be expected for pathogenic variants in this gene.

Ambry Genetics
Classification: Benign for Inborn genetic diseases. Last evaluated: 2015-07-16. Review status: criteria provided, single submitter. Criteria: Ambry Variant Classification Scheme 2023. Collection method: clinical testing. Allele origin: germline.

GeneDx
Classification: Benign. Last evaluated: 2012-05-03. Review status: criteria provided, single submitter. Criteria: GeneDx Variant Classification (06012015). Collection method: clinical testing. Allele origin: germline. Affected: yes.
Comment: This variant is considered likely benign or benign based on one or more of the following criteria: it is a conservative change, it occurs at a poorly conserved position in the protein, it is predicted to be benign by multiple in silico algorithms, and/or has population frequency not consistent with disease.

Breakthrough Genomics
Classification: Benign. Review status: criteria provided, single submitter. Criteria: ACMG Guidelines, 2015. Collection method: not provided. Allele origin: germline. Inheritance: X-linked inheritance. Affected: yes.

Genetic Services Laboratory, University of Chicago
Classification: Likely benign for AllHighlyPenetrant. Review status: no assertion criteria provided. Collection method: clinical testing. Allele origin: germline. Inheritance: X-linked inheritance. Not counted in ClinVar's aggregate classification.
Comment: Likely benign based on allele frequency in 1000 Genomes Project or ESP global frequency and its presence in a patient with a rare or unrelated disease phenotype. NOT Sanger confirmed.

Genome Diagnostics Laboratory, University Medical Center Utrecht
Classification: Benign. Review status: no assertion criteria provided. Collection method: clinical testing. Allele origin: germline. Affected: yes. Study: VKGL Data-share Consensus. Not counted in ClinVar's aggregate classification.

Laboratory of Diagnostic Genome Analysis, Leiden University Medical Center (LUMC)
Classification: Likely benign. Review status: no assertion criteria provided. Collection method: clinical testing. Allele origin: germline. Affected: yes. Study: VKGL Data-share Consensus. Not counted in ClinVar's aggregate classification.